The following is an entry in ClinVar:

NM_001386298.1(CIC):c.3202G>A (p.Glu1068Lys)

Gene: CIC (capicua transcriptional repressor; plus strand). Cytogenetic location: 19q13.2.
Variant type: single nucleotide variant.
Coding change: c.3202G>A on transcript NM_001386298.1 (MANE Select); coding-DNA position 3202, G replaced by A.
Protein change: p.Glu1068Lys; replaces glutamic acid 1068 with lysine.
Molecular consequence: missense variant.
Genome position (GRCh38, 1-based): chr19:42,287,342, G>A. VCF-style: chr19-42287342-G-A. GRCh37 (hg19) VCF-style: chr19-42791494-G-A.
Other names: c.3202G>A, p.Glu1068Lys (NM_001304815.2, NM_001379480.1, NM_001379482.1); c.475G>A, p.Glu159Lys (NM_001379484.1, NM_001379485.1, NM_015125.5); short protein forms E1068K, E159K.
Identifiers: ClinVar variation 3897267 (VCV003897267.1).

ClinVar aggregate classification (germline): Uncertain significance (1 of 4 stars; one submission).

Submission:

GeneDx
Classification: Uncertain significance. Last evaluated: 2024-10-23. Review status: criteria provided, single submitter. Criteria: GeneDx Variant Classification Process June 2021. Collection method: clinical testing. Allele origin: germline. Affected: yes.
Comment: Not observed at significant frequency in large population cohorts (gnomAD); In silico analysis indicates that this missense variant does not alter protein structure/function; In silico analysis supports a deleterious effect on splicing; Has not been previously published as pathogenic or benign to our knowledge